The following is an entry in ClinVar:

ClinVar aggregate classification (germline): Benign/Likely benign. Review status: criteria provided, multiple submitters, no conflicts (2 of 4 stars). 7 submissions from 7 submitters: Benign (5); Likely benign (1). 1 of the submissions does not count toward it. Last evaluated 2026-02-02.

Conditions:
Monosomy 7 myelodysplasia and leukemia syndrome 1. Also called: Familial Mosaic Monosomy 7 Syndrome; Monosomy 7 of bone marrow; CHROMOSOME 7q DELETION. Identifiers: MedGen C1854978, MONDO:0009646, OMIM 252270.
Ataxia-pancytopenia syndrome (ATXPC). Also called: SAMD9L-Related Syndrome; SAMD9L Ataxia-Pancytopenia Syndrome. Identifiers: Orphanet 2585, MedGen C1327919, MONDO:0008038, OMIM 159550.
Spinocerebellar ataxia 49 (SCA49). Identifiers: Orphanet 631106, MedGen C5676950, MONDO:0030805, OMIM 619806.
SAMD9L-related disorder. Also called: SAMD9L-related disorders; SAMD9L-related condition.

Allele frequency attached by ClinVar (database versions not stated): gnomAD exomes 0.00120 and 0.00317; ExAC 0.00398; gnomAD 0.01306 and 0.01398; ESP Exome Variant Server 0.01346; TOPMed 0.01411; 1000 Genomes Project 0.01478; 1000 Genomes Project 30x 0.01530.
gnomAD v4.1: 3,822 of 1,613,800 alleles (0.24%); highest among the groups gnomAD compares: African/African-American, 4.5%; 92 homozygotes.

Submissions (7):

Labcorp Genetics (formerly Invitae), Labcorp
Classification: Benign. Last evaluated: 2026-02-02. Review status: criteria provided, single submitter. Criteria: Invitae Variant Classification Sherloc (09022015). Collection method: clinical testing. Allele origin: germline.

ARUP Laboratories, Molecular Genetics and Genomics, ARUP Laboratories
Classification: Benign. Last evaluated: 2024-05-01. Review status: criteria provided, single submitter. Criteria: ARUP Molecular Germline Variant Investigation Process 2024. Collection method: clinical testing. Allele origin: germline.

Mayo Clinic Laboratories, Mayo Clinic
Classification: Benign. Last evaluated: 2023-11-06. Review status: criteria provided, single submitter. Criteria: ACMG Guidelines, 2015. Collection method: clinical testing. Allele origin: germline. Observed: 8 variant alleles.
Comment: BA1, BS2

Fulgent Genetics
Classification: Likely benign for Ataxia-pancytopenia syndrome; Monosomy 7 myelodysplasia and leukemia syndrome 1; Spinocerebellar ataxia 49. Last evaluated: 2021-09-27. Review status: criteria provided, single submitter. Criteria: ACMG Guidelines, 2015. Collection method: clinical testing. Allele origin: unknown.

GeneDx
Classification: Benign. Last evaluated: 2020-11-10. Review status: criteria provided, single submitter. Criteria: GeneDx Variant Classification Process June 2021. Collection method: clinical testing. Allele origin: germline. Affected: yes.

Breakthrough Genomics
Classification: Benign. Review status: criteria provided, single submitter. Criteria: ACMG Guidelines, 2015. Collection method: not provided. Allele origin: germline. Inheritance: Autosomal dominant inheritance. Affected: yes.

PreventionGenetics, part of Exact Sciences
Classification: Benign for SAMD9L-related condition. Last evaluated: 2019-03-08. Review status: no assertion criteria provided. Collection method: clinical testing. Allele origin: germline. Not counted in ClinVar's aggregate classification.
Comment: This variant is classified as benign based on ACMG/AMP sequence variant interpretation guidelines (Richards et al. 2015 PMID: 25741868, with internal and published modifications).

NM_152703.5(SAMD9L):c.3102T>C (p.Asp1034=)

Gene: SAMD9L (sterile alpha motif domain containing 9 like; minus strand). Cytogenetic location: 7q21.2.
Variant type: single nucleotide variant.
Coding change: c.3102T>C on transcript NM_152703.5 (MANE Select); coding-DNA position 3102, T replaced by C.
Protein change: p.Asp1034=; no amino-acid change (aspartic acid 1034 retained).
Molecular consequence: synonymous variant.
Genome position (GRCh38, 1-based): chr7:93,132,870, A>G on the plus strand (T>C on the coding strand, the complement: SAMD9L is on the minus strand). VCF-style: chr7-93132870-A-G. GRCh37 (hg19) VCF-style: chr7-92762183-A-G.
Other names: p.Asp1034=; c.3102T>C, p.Asp1034= (NM_001303496.3, NM_001303497.3, NM_001303498.3 and 5 more transcripts).
Identifiers: ClinVar variation 778936 (VCV000778936.19), dbSNP rs75823828, ClinGen allele CA4343505.
Genomic context (GRCh38, chr7:93,132,870, plus strand): 5'-CAGAGTGTCTGTTTCATCTCCATACACCTTGCGCTGTCTTGTAAGCAGAAGAGTTTGAAC[A>G]TCATGTTGAAATTTGTCTCTTCCTATTCCAGAATCATAGAATAAATTCTCTTCTAATATA-3'
Protein context (NP_689916.2, residues 1024-1044): SGIGRDKFQH[Asp1034=]VQTLLLTRQR